The following is an entry in ClinVar:

ClinVar aggregate classification (germline): Uncertain significance (1 of 4 stars; one submission).

Conditions:
Gastrointestinal stromal tumor. Also called: Gastrointestinal stroma tumor; Gastrointestinal stromal tumor, somatic. Identifiers: Orphanet 44890, MedGen C0238198, MeSH D046152, MONDO:0011719, OMIM 606764, HP:0100723.

Allele frequency attached by ClinVar (database versions not stated): gnomAD exomes below 0.00001; TOPMed below 0.00001.
gnomAD v4.1: 1 of 1,614,168 alleles (0.000062%); highest among the groups gnomAD compares: Non-Finnish European, 0.000085%; no homozygotes.

Submission:

Labcorp Genetics (formerly Invitae), Labcorp
Classification: Uncertain significance for Gastrointestinal stromal tumor. Last evaluated: 2022-07-09. Review status: criteria provided, single submitter. Criteria: Invitae Variant Classification Sherloc (09022015). Collection method: clinical testing. Allele origin: germline.
Comment: In summary, the available evidence is currently insufficient to determine the role of this variant in disease. Therefore, it has been classified as a Variant of Uncertain Significance. Algorithms developed to predict the effect of missense changes on protein structure and function (SIFT, PolyPhen-2, Align-GVGD) all suggest that this variant is likely to be disruptive. ClinVar contains an entry for this variant (Variation ID: 1369437). This variant has not been reported in the literature in individuals affected with KIT-related conditions. This variant is not present in population databases (gnomAD no frequency). This sequence change replaces glutamic acid, which is acidic and polar, with aspartic acid, which is acidic and polar, at codon 849 of the KIT protein (p.Glu849Asp).

NM_000222.3(KIT):c.2547A>T (p.Glu849Asp)

Gene: KIT (KIT proto-oncogene, receptor tyrosine kinase; plus strand). Cytogenetic location: 4q12.
Variant type: single nucleotide variant.
Coding change: c.2547A>T on transcript NM_000222.3 (MANE Select); coding-DNA position 2547, A replaced by T.
Protein change: p.Glu849Asp; replaces glutamic acid 849 with aspartic acid.
Molecular consequence: missense variant.
Genome position (GRCh38, 1-based): chr4:54,736,560, A>T. VCF-style: chr4-54736560-A-T. GRCh37 (hg19) VCF-style: chr4-55602726-A-T.
Other names: c.2535A>T, p.Glu845Asp (NM_001093772.2, NM_001385292.1); c.2550A>T, p.Glu850Asp (NM_001385284.1); c.2544A>T, p.Glu848Asp (NM_001385285.1); c.2532A>T, p.Glu844Asp (NM_001385286.1); c.2538A>T, p.Glu846Asp (NM_001385288.1); c.2547A>T, p.Glu849Asp (NM_001385290.1); short protein forms E845D, E846D, E848D, E849D, E850D, E844D.
Identifiers: ClinVar variation 1369437 (VCV001369437.8), dbSNP rs1722932942, ClinGen allele CA356913228.